The following is an entry in ClinVar:

NM_001195553.2(DCX):c.527T>G (p.Phe176Cys)

Gene: DCX (doublecortin; minus strand). Cytogenetic location: Xq23.
Variant type: single nucleotide variant.
Coding change: c.527T>G on transcript NM_001195553.2 (MANE Select); coding-DNA position 527, T replaced by G.
Protein change: p.Phe176Cys; replaces phenylalanine 176 with cysteine.
Molecular consequence: missense variant.
Genome position (GRCh38, 1-based): chrX:111,401,168, A>C on the plus strand (T>G on the coding strand, the complement: DCX is on the minus strand). VCF-style: chrX-111401168-A-C. GRCh37 (hg19) VCF-style: chrX-110644396-A-C.
Other names: c.527T>G, p.Phe176Cys (NM_178151.3, NM_178152.3, NM_178153.3 and 6 more transcripts); c.770T>G, p.Phe257Cys (NM_000555.3); short protein forms F257C, F176C.
Identifiers: ClinVar variation 3641606 (VCV003641606.2).

ClinVar aggregate classification (germline): Uncertain significance (1 of 4 stars; one submission).

Submission:

Labcorp Genetics (formerly Invitae), Labcorp
Classification: Uncertain significance. Last evaluated: 2024-02-22. Review status: criteria provided, single submitter. Criteria: Invitae Variant Classification Sherloc (09022015). Collection method: clinical testing. Allele origin: germline.
Comment: This sequence change replaces phenylalanine, which is neutral and non-polar, with cysteine, which is neutral and slightly polar, at codon 176 of the DCX protein (p.Phe176Cys). This variant is not present in population databases (gnomAD no frequency). This variant has not been reported in the literature in individuals affected with DCX-related conditions. Advanced modeling of protein sequence and biophysical properties (such as structural, functional, and spatial information, amino acid conservation, physicochemical variation, residue mobility, and thermodynamic stability) has been performed at Invitae for this missense variant, however the output from this modeling did not meet the statistical confidence thresholds required to predict the impact of this variant on DCX protein function. In summary, the available evidence is currently insufficient to determine the role of this variant in disease. Therefore, it has been classified as a Variant of Uncertain Significance.